The following is an entry in ClinVar:

NM_025219.3(DNAJC5):c.454C>T (p.Pro152Ser)

Gene: DNAJC5 (DnaJ heat shock protein family (Hsp40) member C5; plus strand). Cytogenetic location: 20q13.33.
Variant type: single nucleotide variant.
Coding change: c.454C>T on transcript NM_025219.3 (MANE Select); coding-DNA position 454, C replaced by T.
Protein change: p.Pro152Ser; replaces proline 152 with serine.
Molecular consequence: missense variant.
Genome position (GRCh38, 1-based): chr20:63,930,983, C>T. VCF-style: chr20-63930983-C-T. GRCh37 (hg19) VCF-style: chr20-62562336-C-T.
Other names: short protein forms P152S.
Identifiers: ClinVar variation 3705186 (VCV003705186.2).

ClinVar aggregate classification (germline): Uncertain significance (1 of 4 stars; one submission).

Conditions:
Neuronal ceroid lipofuscinosis. Also called: Neuronal Ceroid Lipofuscinoses. Identifiers: Orphanet 216, Orphanet 79263, MedGen C0027877, MONDO:0016295. Disease mechanism: loss of function.

gnomAD v4.1: 1 of 1,614,112 alleles (0.000062%); no homozygotes.

Submission:

Labcorp Genetics (formerly Invitae), Labcorp
Classification: Uncertain significance for Neuronal ceroid lipofuscinosis. Last evaluated: 2024-10-02. Review status: criteria provided, single submitter. Criteria: Invitae Variant Classification Sherloc (09022015). Collection method: clinical testing. Allele origin: germline.
Comment: This sequence change replaces proline, which is neutral and non-polar, with serine, which is neutral and polar, at codon 152 of the DNAJC5 protein (p.Pro152Ser). This variant is not present in population databases (gnomAD no frequency). This variant has not been reported in the literature in individuals affected with DNAJC5-related conditions. An algorithm developed to predict the effect of missense changes on protein structure and function (PolyPhen-2) suggests that this variant is likely to be tolerated. In summary, the available evidence is currently insufficient to determine the role of this variant in disease. Therefore, it has been classified as a Variant of Uncertain Significance.